The following is an entry in ClinVar:

NM_001048174.2(MUTYH):c.1260C>G (p.His420Gln)

Gene: MUTYH (mutY DNA glycosylase; minus strand). Cytogenetic location: 1p34.1.
Variant type: single nucleotide variant.
Coding change: c.1260C>G on transcript NM_001048174.2 (MANE Select); coding-DNA position 1260, C replaced by G.
Protein change: p.His420Gln; replaces histidine 420 with glutamine.
Molecular consequence: missense variant. On other transcripts: non-coding transcript variant (2).
Genome position (GRCh38, 1-based): chr1:45,331,314, G>C on the plus strand (C>G on the coding strand, the complement: MUTYH is on the minus strand). VCF-style: chr1-45331314-G-C. GRCh37 (hg19) VCF-style: chr1-45796986-G-C.
Other names: c.1260C>G, p.His420Gln (NM_001048171.2, NM_001048173.2, NM_001293195.2 and 6 more transcripts); c.1263C>G, p.His421Gln (NM_001048172.2, NM_001407086.1, NM_001407071.1 and 1 more transcripts); c.1344C>G, p.His448Gln (NM_001128425.2); c.1305C>G, p.His435Gln (NM_001293190.2); c.1293C>G, p.His431Gln (NM_001293191.2, NM_001407069.1, NM_001407077.1); c.984C>G, p.His328Gln (NM_001293192.2, NM_001293196.2, NM_001407091.1); c.915C>G, p.His305Gln (NM_001350650.2, NM_001350651.2, NM_001407082.1); c.1302C>G, p.His434Gln (NM_001407083.1, NM_001407085.1); and 5 more; short protein forms H392Q, H431Q, H406Q, H407Q, H421Q, H435Q, H445Q, H328Q.
Identifiers: ClinVar variation 2010757 (VCV002010757.4), dbSNP rs1553125290, ClinGen allele CA340132767.

ClinVar aggregate classification (germline): Uncertain significance (1 of 4 stars; one submission).

Conditions:
Familial adenomatous polyposis 2. Also called: COLORECTAL ADENOMATOUS POLYPOSIS, AUTOSOMAL RECESSIVE; ADENOMAS, MULTIPLE COLORECTAL, AUTOSOMAL RECESSIVE; Adenomas, multiple colorectal; MYH-associated polyposis; MUTYH-associated polyposis; MUTYH-related attenuated familial adenomatous polyposis. Identifiers: Orphanet 220460, Orphanet 247798, MedGen C3272841, MONDO:0012041, OMIM 608456.

Submission:

Labcorp Genetics (formerly Invitae), Labcorp
Classification: Uncertain significance for Familial adenomatous polyposis 2. Last evaluated: 2022-06-26. Review status: criteria provided, single submitter. Criteria: Invitae Variant Classification Sherloc (09022015). Collection method: clinical testing. Allele origin: germline.
Comment: This sequence change replaces histidine, which is basic and polar, with glutamine, which is neutral and polar, at codon 448 of the MUTYH protein (p.His448Gln). In summary, the available evidence is currently insufficient to determine the role of this variant in disease. Therefore, it has been classified as a Variant of Uncertain Significance. Algorithms developed to predict the effect of sequence changes on RNA splicing suggest that this variant may create or strengthen a splice site. Algorithms developed to predict the effect of missense changes on protein structure and function are either unavailable or do not agree on the potential impact of this missense change (SIFT: "Deleterious"; PolyPhen-2: "Probably Damaging"; Align-GVGD: "Class C15"). This variant has not been reported in the literature in individuals affected with MUTYH-related conditions. This variant is not present in population databases (gnomAD no frequency).